The following is an entry in ClinVar:

NM_000481.4(AMT):c.1181T>C (p.Phe394Ser)

Gene: AMT (aminomethyltransferase; minus strand). Cytogenetic location: 3p21.31.
Variant type: single nucleotide variant.
Coding change: c.1181T>C on transcript NM_000481.4 (MANE Select); coding-DNA position 1181, T replaced by C.
Protein change: p.Phe394Ser; replaces phenylalanine 394 with serine.
Molecular consequence: missense variant. On other transcripts: non-coding transcript variant (1), intron variant (1).
Genome position (GRCh38, 1-based): chr3:49,417,571, A>G on the plus strand (T>C on the coding strand, the complement: AMT is on the minus strand). VCF-style: chr3-49417571-A-G. GRCh37 (hg19) VCF-style: chr3-49455004-A-G.
Other names: c.1049T>C, p.Phe350Ser (NM_001164710.2); c.1013T>C, p.Phe338Ser (NM_001164711.2); c.1137+44T>C (NM_001164712.2); short protein forms F350S, F394S, F338S.
Identifiers: ClinVar variation 1953549 (VCV001953549.5), dbSNP rs2049019296, ClinGen allele CA352788523.

ClinVar aggregate classification (germline): Uncertain significance (1 of 4 stars; one submission).

Conditions:
Glycine encephalopathy. Also called: Non-ketotic hyperglycinemia; Nonketotic hyperglycinemia. Identifiers: Orphanet 407, MedGen C0751748, MONDO:0011612, HP:0008288.

Submission:

Labcorp Genetics (formerly Invitae), Labcorp
Classification: Uncertain significance for Glycine encephalopathy. Last evaluated: 2022-05-25. Review status: criteria provided, single submitter. Criteria: Invitae Variant Classification Sherloc (09022015). Collection method: clinical testing. Allele origin: germline.
Comment: In summary, the available evidence is currently insufficient to determine the role of this variant in disease. Therefore, it has been classified as a Variant of Uncertain Significance. Advanced modeling of protein sequence and biophysical properties (such as structural, functional, and spatial information, amino acid conservation, physicochemical variation, residue mobility, and thermodynamic stability) performed at Invitae indicates that this missense variant is expected to disrupt AMT protein function. This variant has not been reported in the literature in individuals affected with AMT-related conditions. This variant is not present in population databases (gnomAD no frequency). This sequence change replaces phenylalanine, which is neutral and non-polar, with serine, which is neutral and polar, at codon 394 of the AMT protein (p.Phe394Ser).